The following is an entry in ClinVar:

ClinVar aggregate classification (germline): Uncertain significance (1 of 4 stars; one submission).

Submission:

GeneDx
Classification: Uncertain significance. Last evaluated: 2026-03-26. Review status: criteria provided, single submitter. Criteria: GeneDx Variant Classification Process June 2021. Collection method: clinical testing. Allele origin: germline.
Comment: Not observed at significant frequency in large population cohorts (gnomAD); In silico analysis suggests that this missense variant does not alter protein structure/function; Has not been previously published as pathogenic or benign to our knowledge

NM_018489.3(ASH1L):c.1793C>G (p.Ser598Cys)

Gene: ASH1L (ASH1 like histone lysine methyltransferase; minus strand). Cytogenetic location: 1q22.
Variant type: single nucleotide variant.
Coding change: c.1793C>G on transcript NM_018489.3 (MANE Select); coding-DNA position 1793, C replaced by G.
Protein change: p.Ser598Cys; replaces serine 598 with cysteine.
Molecular consequence: missense variant.
Genome position (GRCh38, 1-based): chr1:155,481,077, G>C on the plus strand (C>G on the coding strand, the complement: ASH1L is on the minus strand). VCF-style: chr1-155481077-G-C. GRCh37 (hg19) VCF-style: chr1-155450868-G-C.
Other names: c.1793C>G, p.Ser598Cys (NM_001366177.2); short protein forms S598C.
Identifiers: ClinVar variation 5017545 (VCV005017545.1).